The following is an entry in ClinVar:

ClinVar aggregate classification (germline): Uncertain significance (1 of 4 stars; one submission).

Conditions:
Niemann-Pick disease, type A. Also called: Infantile Neurovisceral ASMD (Niemann-Pick Disease Type A; NPD-A); SPHINGOMYELIN LIPIDOSIS; SPHINGOMYELINASE DEFICIENCY. Identifiers: Orphanet 77292, MedGen C0268242, MONDO:0009756, OMIM 257200. Disease mechanism: loss of function.
Niemann-Pick disease, type B. Also called: Chronic Visceral ASMD (Niemann-Pick Disease Type B; NPD-B). Identifiers: Orphanet 77293, MedGen C0268243, MONDO:0011871, OMIM 607616. Disease mechanism: loss of function.

Allele frequency attached by ClinVar (database versions not stated): gnomAD exomes below 0.00001.
gnomAD v4.1: 5 of 1,559,018 alleles (0.00032%); highest among the groups gnomAD compares: Non-Finnish European, 0.00043%; no homozygotes.

Submission:

Labcorp Genetics (formerly Invitae), Labcorp
Classification: Uncertain significance for Niemann-Pick disease, type B; Niemann-Pick disease, type A. Last evaluated: 2025-06-02. Review status: criteria provided, single submitter. Criteria: Invitae Variant Classification Sherloc (09022015). Collection method: clinical testing. Allele origin: germline.
Comment: This sequence change replaces proline, which is neutral and non-polar, with serine, which is neutral and polar, at codon 194 of the SMPD1 protein (p.Pro194Ser). The frequency data for this variant in the population databases is considered unreliable, as metrics indicate poor data quality at this position in the gnomAD database. This variant has not been reported in the literature in individuals affected with SMPD1-related conditions. ClinVar contains an entry for this variant (Variation ID: 2931672). Invitae Evidence Modeling of protein sequence and biophysical properties (such as structural, functional, and spatial information, amino acid conservation, physicochemical variation, residue mobility, and thermodynamic stability) has been performed for this missense variant. However, the output from this modeling did not meet the statistical confidence thresholds required to predict the impact of this variant on SMPD1 protein function. In summary, the available evidence is currently insufficient to determine the role of this variant in disease. Therefore, it has been classified as a Variant of Uncertain Significance.

NM_000543.5(SMPD1):c.580C>T (p.Pro194Ser)

Gene: SMPD1 (sphingomyelin phosphodiesterase 1; plus strand). Cytogenetic location: 11p15.4.
Variant type: single nucleotide variant.
Coding change: c.580C>T on transcript NM_000543.5 (MANE Select); coding-DNA position 580, C replaced by T.
Protein change: p.Pro194Ser; replaces proline 194 with serine.
Molecular consequence: missense variant. On other transcripts: 5 prime UTR variant (1), non-coding transcript variant (1).
Genome position (GRCh38, 1-based): chr11:6,391,645, C>T. VCF-style: chr11-6391645-C-T. GRCh37 (hg19) VCF-style: chr11-6412875-C-T.
Other names: c.577C>T, p.Pro193Ser (NM_001007593.3); c.580C>T, p.Pro194Ser (NM_001318087.2, NM_001365135.2); c.-382C>T (NM_001318088.2); short protein forms P193S, P194S.
Identifiers: ClinVar variation 2931672 (VCV002931672.3), dbSNP rs1172341078, ClinGen allele CA379370142.
Genomic context (GRCh38, chr11:6,391,645, plus strand): 5'-TCATCTTGGAACATCTCTTTGCCTACTGTGCCGAAGCCGCCCCCCAAACCCCCTAGCCCC[C>T]CAGCCCCAGGTGCCCCTGTCAGCCGCATCCTCTTCCTCACTGACCTGCACTGGGATCATG-3'
Protein context (NP_000534.3, residues 184-204): PKPPPKPPSP[Pro194Ser]APGAPVSRIL